The following is an entry in ClinVar:

NM_002816.5(PSMD12):c.806G>A (p.Ser269Asn)

Gene: PSMD12 (proteasome 26S subunit, non-ATPase 12; minus strand). Cytogenetic location: 17q24.2.
Variant type: single nucleotide variant.
Coding change: c.806G>A on transcript NM_002816.5 (MANE Select); coding-DNA position 806, G replaced by A.
Protein change: p.Ser269Asn; replaces serine 269 with asparagine.
Molecular consequence: missense variant.
Genome position (GRCh38, 1-based): chr17:67,345,847, C>T on the plus strand (G>A on the coding strand, the complement: PSMD12 is on the minus strand). VCF-style: chr17-67345847-C-T. GRCh37 (hg19) VCF-style: chr17-65341963-C-T.
Other names: c.629G>A, p.Ser210Asn (NM_001316341.2); c.746G>A, p.Ser249Asn (NM_174871.4); short protein forms S210N, S249N, S269N.
Identifiers: ClinVar variation 4076255 (VCV004076255.1).

ClinVar aggregate classification (germline): Uncertain significance (1 of 4 stars; one submission).

Conditions:
Stankiewicz-Isidor syndrome (STISS). Identifiers: MedGen C4479599, MONDO:0054591, OMIM 617516.

gnomAD v4.1: 2 of 1,611,798 alleles (0.00012%); highest among the groups gnomAD compares: Admixed American, 0.0017%; no homozygotes.

Submission:

Laboratorio de Genetica e Diagnostico Molecular, Hospital Israelita Albert Einstein
Classification: Uncertain significance for Stankiewicz-Isidor syndrome. Last evaluated: 2023-06-07. Review status: criteria provided, single submitter. Criteria: ACMG Guidelines, 2015. Collection method: clinical testing. Allele origin: germline. Affected: yes.
Comment: ACMG classification criteria: PM2 supporting, BP4 supporting